The following is an entry in ClinVar:

NM_002432.3(MNDA):c.1042A>T (p.Met348Leu)

Gene: MNDA (myeloid cell nuclear differentiation antigen; plus strand). Cytogenetic location: 1q23.1.
Variant type: single nucleotide variant.
Coding change: c.1042A>T on transcript NM_002432.3 (MANE Select); coding-DNA position 1042, A replaced by T.
Protein change: p.Met348Leu; replaces methionine 348 with leucine.
Molecular consequence: missense variant.
Genome position (GRCh38, 1-based): chr1:158,847,782, A>T. VCF-style: chr1-158847782-A-T. GRCh37 (hg19) VCF-style: chr1-158817572-A-T.
Other names: short protein forms M348L.
Identifiers: ClinVar variation 1774476 (VCV001774476.2), dbSNP rs2526092404, ClinGen allele CA343043966.

ClinVar aggregate classification (germline): Uncertain significance (1 of 4 stars; one submission).

Submission:

Ambry Genetics
Classification: Uncertain significance. Last evaluated: 2021-12-10. Review status: criteria provided, single submitter. Criteria: Ambry Variant Classification Scheme 2023. Collection method: clinical testing. Allele origin: germline.
Comment: The p.M348L variant (also known as c.1042A>T), located in coding exon 5 of the MNDA gene, results from an A to T substitution at nucleotide position 1042. The methionine at codon 348 is replaced by leucine, an amino acid with highly similar properties. This amino acid position is conserved. In addition, this alteration is predicted to be tolerated by in silico analysis. Since supporting evidence is limited at this time, the clinical significance of this alteration remains unclear.